The following is an entry in ClinVar:

NM_005188.4(CBL):c.203G>C (p.Arg68Pro)

Gene: CBL (Cbl proto-oncogene; plus strand). Cytogenetic location: 11q23.3.
Variant type: single nucleotide variant.
Coding change: c.203G>C on transcript NM_005188.4 (MANE Select); coding-DNA position 203, G replaced by C.
Protein change: p.Arg68Pro; replaces arginine 68 with proline.
Molecular consequence: missense variant.
Genome position (GRCh38, 1-based): chr11:119,232,455, G>C. VCF-style: chr11-119232455-G-C. GRCh37 (hg19) VCF-style: chr11-119103165-G-C.
Other names: short protein forms R68P.
Identifiers: ClinVar variation 4613882 (VCV004613882.1).

ClinVar aggregate classification (germline): Uncertain significance (1 of 4 stars; one submission).

Conditions:
Cardiovascular phenotype. Identifiers: MedGen CN230736.

Submission:

Ambry Genetics
Classification: Uncertain significance for Cardiovascular phenotype. Last evaluated: 2025-11-18. Review status: criteria provided, single submitter. Criteria: Ambry Variant Classification Scheme 2023. Collection method: clinical testing. Allele origin: germline.
Comment: The p.R68P variant (also known as c.203G>C), located in coding exon 2 of the CBL gene, results from a G to C substitution at nucleotide position 203. The arginine at codon 68 is replaced by proline, an amino acid with dissimilar properties. This amino acid position is conserved. In addition, this alteration is predicted to be deleterious by in silico analysis. Based on the available evidence, the clinical significance of this variant remains unclear.